The following is an entry in ClinVar:

ClinVar aggregate classification (germline): Uncertain significance (1 of 4 stars; one submission).

gnomAD v4.1: 1 of 1,566,430 alleles (0.000064%); highest among the groups gnomAD compares: Non-Finnish European, 0.000086%; no homozygotes.

Submission:

GeneDx
Classification: Uncertain significance. Last evaluated: 2025-03-25. Review status: criteria provided, single submitter. Criteria: GeneDx Variant Classification Process June 2021. Collection method: clinical testing. Allele origin: germline. Affected: yes.
Comment: Not observed at significant frequency in large population cohorts (gnomAD); In silico analysis indicates that this variant does not alter splicing; Has not been previously published as pathogenic or benign to our knowledge; Reported using an alternate transcript of the gene

NM_000238.4(KCNH2):c.1128+1854G>T

Gene: KCNH2 (potassium voltage-gated channel subfamily H member 2; minus strand). Cytogenetic location: 7q36.1.
Variant type: single nucleotide variant.
Coding change: c.1128+1854G>T on transcript NM_000238.4 (MANE Select); 1854 bases into the intron after coding-DNA position 1128, G replaced by T.
Molecular consequence: intron variant. On other transcripts: missense variant (2), non-coding transcript variant (1).
Genome position (GRCh38, 1-based): chr7:150,955,437, C>A on the plus strand (G>T on the coding strand, the complement: KCNH2 is on the minus strand). VCF-style: chr7-150955437-C-A. GRCh37 (hg19) VCF-style: chr7-150652525-C-A.
Other names: c.67G>T, p.Val23Leu (NM_001204798.2, NM_172057.3); c.840+1854G>T (NM_001406753.1, NM_001406756.1); c.1128+1854G>T (NM_172056.3); c.951+1854G>T (NM_001406755.1); c.828+1854G>T (NM_001406757.1); short protein forms V23L.
Identifiers: ClinVar variation 4087842 (VCV004087842.1).